The following is an entry in ClinVar:

ClinVar aggregate classification (germline): Pathogenic (1 of 4 stars; one submission).

Submission:

Labcorp Genetics (formerly Invitae), Labcorp
Classification: Pathogenic. Last evaluated: 2025-08-19. Review status: criteria provided, single submitter. Criteria: Invitae Variant Classification Sherloc (09022015). Collection method: clinical testing. Allele origin: germline.
Comment: This sequence change creates a premature translational stop signal (p.Asp222Metfs*5) in the PNLIP gene. It is expected to result in an absent or disrupted protein product. Loss-of-function variants in PNLIP are known to be pathogenic (PMID: 31977950, 35284057). This variant is not present in population databases (gnomAD no frequency). This variant has not been reported in the literature in individuals affected with PNLIP-related conditions. For these reasons, this variant has been classified as Pathogenic.

Literature cited by the submitters: PubMed 31977950; PubMed 35284057.

NM_000936.4(PNLIP):c.664del (p.Asp222fs)

Gene: PNLIP (pancreatic lipase; plus strand). Cytogenetic location: 10q25.3.
Variant type: Deletion.
Coding change: c.664del on transcript NM_000936.4 (MANE Select); coding-DNA position 664, one base deleted (G; older notation c.664delG).
Protein change: p.Asp222fs; shifts the reading frame from aspartic acid 222.
Molecular consequence: frameshift variant.
Genome position (GRCh38, 1-based): chr10:116,555,270, G deleted; the last of 2 consecutive G bases (chr10:116,555,269-116,555,270); deleting either gives the same sequence. VCF-style (leftmost placement, unchanged base first): chr10-116555268-CG-C. GRCh37 (hg19) VCF-style: chr10-118314780-CG-C.
Other names: short protein forms D222fs.
Identifiers: ClinVar variation 4710254 (VCV004710254.1).